The following is an entry in ClinVar:

ClinVar aggregate classification (germline): Uncertain significance (1 of 4 stars; one submission).

Conditions:
Developmental delay with variable neurologic and brain abnormalities (MLHNS). Also called: MALHOTRA NEURODEVELOPMENTAL SYNDROME. Identifiers: MedGen C5562060, MONDO:0859218, OMIM 619694.

gnomAD v4.1: 2 of 1,595,446 alleles (0.00013%); highest among the groups gnomAD compares: South Asian, 0.0011%; no homozygotes.

Submission:

Neuberg Centre For Genomic Medicine, NCGM
Classification: Uncertain significance for Developmental delay with variable neurologic and brain abnormalities. Last evaluated: 2023-05-20. Review status: criteria provided, single submitter. Criteria: ACMG Guidelines, 2015. Collection method: clinical testing. Allele origin: germline. Inheritance: Autosomal dominant inheritance. Affected: yes.
Comment: The splice region c.1791+4A>G variant in the LMBRD2 gene has not been reported previously as a pathogenic variant nor as a benign variant, to our knowledge This variant is reported with the allele frequency (0.0004%) in the gnomAD Exomes. The variant affects position 4 nucleotides downstream of exon 15. The splice AI tool predicts the variant to be damaging. Further studies are required to prove the pathogenicity of the variant. For these reasons, this variant has been classified as Uncertain Significance.

NM_001007527.2(LMBRD2):c.1791+4A>G

Gene: LMBRD2 (LMBR1 domain containing 2; minus strand). Cytogenetic location: 5p13.2.
Variant type: single nucleotide variant.
Coding change: c.1791+4A>G on transcript NM_001007527.2 (MANE Select); 4 bases into the intron after coding-DNA position 1791, A replaced by G.
Molecular consequence: intron variant.
Genome position (GRCh38, 1-based): chr5:36,109,941, T>C on the plus strand (A>G on the coding strand, the complement: LMBRD2 is on the minus strand). VCF-style: chr5-36109941-T-C. GRCh37 (hg19) VCF-style: chr5-36110043-T-C.
Identifiers: ClinVar variation 3341416 (VCV003341416.1).